The following is an entry in ClinVar:

ClinVar aggregate classification (germline): Conflicting classifications of pathogenicity. Review status: criteria provided, conflicting classifications (1 of 4 stars). 6 submissions from 6 submitters: Uncertain significance (1); Likely benign (4). 1 of the submissions does not count toward it. Last evaluated 2026-06-17.

Conditions:
Cardiovascular phenotype. Identifiers: MedGen CN230736.
Catecholaminergic polymorphic ventricular tachycardia (CVPT). Also called: Catecholamine-induced polymorphic ventricular tachycardia. Identifiers: Orphanet 3286, MedGen C5574922, MONDO:0017990.
Cardiomyopathy (CMYO). Also called: Cardiomyopathies. Identifiers: Orphanet 167848, MedGen C0878544, MONDO:0004994, HP:0001638. Inheritance: Various modes of inheritance.
RYR2-related disorder. Also called: RYR2-related condition.
Catecholaminergic polymorphic ventricular tachycardia 1. Also called: RYR2-Related Catecholaminergic Polymorphic Ventricular Tachycardia; VENTRICULAR TACHYCARDIA, STRESS-INDUCED POLYMORPHIC 1; VENTRICULAR TACHYCARDIA, CATECHOLAMINERGIC POLYMORPHIC, 1, WITH OR WITHOUT ATRIAL DYSFUNCTION AND/OR DILATED CARDIOMYOPATHY. Identifiers: Orphanet 3286, MedGen C1631597, MONDO:0011484, OMIM 604772.

Allele frequency attached by ClinVar (database versions not stated): TOPMed 0.00001.
gnomAD v4.1: 41 of 1,498,834 alleles (0.0027%); highest among the groups gnomAD compares: Non-Finnish European, 0.0035%; no homozygotes.

Submissions (6):

Women's Health and Genetics/Laboratory Corporation of America, LabCorp
Classification: Likely benign. Last evaluated: 2026-06-17. Review status: criteria provided, single submitter. Criteria: LabCorp Variant Classification Summary - May 2015. Collection method: clinical testing. Allele origin: germline.

Labcorp Genetics (formerly Invitae), Labcorp
Classification: Likely benign for Catecholaminergic polymorphic ventricular tachycardia 1. Last evaluated: 2025-09-02. Review status: criteria provided, single submitter. Criteria: Invitae Variant Classification Sherloc (09022015). Collection method: clinical testing. Allele origin: germline.

Ambry Genetics
Classification: Uncertain significance for Cardiovascular phenotype. Last evaluated: 2023-11-03. Review status: criteria provided, single submitter. Criteria: Ambry Variant Classification Scheme 2023. Collection method: clinical testing. Allele origin: germline.
Comment: The c.3808-5G>C intronic variant results from a G to C substitution 5 nucleotides upstream from coding exon 31 in the RYR2 gene. This nucleotide position is well conserved in available vertebrate species. In silico splice site analysis predicts that this alteration will not have any significant effect on splicing. Since supporting evidence is limited at this time, the clinical significance of this alteration remains unclear.

All of Us Research Program, National Institutes of Health
Classification: Likely benign for Catecholaminergic polymorphic ventricular tachycardia. Last evaluated: 2023-10-02. Review status: criteria provided, single submitter. Criteria: ACMG Guidelines, 2015. Collection method: clinical testing. Allele origin: germline. Inheritance: Autosomal dominant inheritance. Observed: 2 variant alleles, 2 heterozygotes.
Comment: This study involves interpretation of variants in research participants for the purpose of population health screening. Participant phenotype was not available at the time of variant classification. Additional details can be found in publication PMID: 35346344, PMCID: PMC8962531

Color Diagnostics, LLC DBA Color Health
Classification: Likely benign for Cardiomyopathy. Last evaluated: 2019-04-26. Review status: criteria provided, single submitter. Criteria: ACMG Guidelines, 2015. Collection method: clinical testing. Allele origin: germline.

PreventionGenetics, part of Exact Sciences
Classification: Likely benign for RYR2-related condition. Last evaluated: 2023-08-10. Review status: no assertion criteria provided. Collection method: clinical testing. Allele origin: germline. Not counted in ClinVar's aggregate classification.
Comment: This variant is classified as likely benign based on ACMG/AMP sequence variant interpretation guidelines (Richards et al. 2015 PMID: 25741868, with internal and published modifications).

NM_001035.3(RYR2):c.3808-5G>C

Genes: RYR2 (ryanodine receptor 2; plus strand), LOC126806067 (BRD4-independent group 4 enhancer GRCh37_chr1:237753258-237754457; plus strand). Cytogenetic location: 1q43.
Variant type: single nucleotide variant.
Coding change: c.3808-5G>C on transcript NM_001035.3 (MANE Select); 5 bases into the intron before coding-DNA position 3808, G replaced by C.
Molecular consequence: intron variant.
Genome position (GRCh38, 1-based): chr1:237,590,635, G>C. VCF-style: chr1-237590635-G-C. GRCh37 (hg19) VCF-style: chr1-237753935-G-C.
Other names: c.3808-5G>C (NM_001035.2).
Identifiers: ClinVar variation 920125 (VCV000920125.17), dbSNP rs776405427, ClinGen allele CA529912741.